The following is an entry in ClinVar:

ClinVar aggregate classification (germline): Pathogenic. Review status: criteria provided, multiple submitters, no conflicts (2 of 4 stars). 2 submissions from 2 submitters: Pathogenic (2). Last evaluated 2024-05-14.

Conditions:
Inborn genetic diseases. Identifiers: MedGen C0950123, MeSH D030342.

Submissions (2):

GeneDx
Classification: Pathogenic. Last evaluated: 2024-05-14. Review status: criteria provided, single submitter. Criteria: GeneDx Variant Classification Process June 2021. Collection method: clinical testing. Allele origin: germline. Affected: yes.
Comment: Nonsense variant predicted to result in protein truncation, as the last 312 amino acids are lost, and other loss-of-function variants have been reported downstream in HGMD; Not observed at significant frequency in large population cohorts (gnomAD); This variant is associated with the following publications: (PMID: 23815551, 23929686, 25473036, 23906836, 36307859, 37086723, 35801292)

Ambry Genetics
Classification: Pathogenic for Inborn genetic diseases. Last evaluated: 2018-09-11. Review status: criteria provided, single submitter. Criteria: Ambry exome assertion method (8-5-2015). Collection method: clinical testing. Allele origin: germline. Affected: yes. Observed: 1 variant allele.

Literature cited by the submitters: PubMed 23929686 (cited by Ambry Genetics); PubMed 23906836 (cited by Ambry Genetics); PubMed 23815551 (cited by Ambry Genetics); PubMed 25473036 (cited by Ambry Genetics).

NM_001374828.1(ARID1B):c.6181C>T (p.Gln2061Ter)

Gene: ARID1B (AT-rich interaction domain 1B; plus strand). Cytogenetic location: 6q25.3.
Variant type: single nucleotide variant.
Coding change: c.6181C>T on transcript NM_001374828.1 (MANE Select); coding-DNA position 6181, C replaced by T.
Protein change: p.Gln2061Ter; replaces glutamine 2061 with a stop codon.
Molecular consequence: nonsense.
Genome position (GRCh38, 1-based): chr6:157,206,953, C>T. VCF-style: chr6-157206953-C-T. GRCh37 (hg19) VCF-style: chr6-157528087-C-T.
Other names: c.5812C>T (NM_020732.3); c.3682C>T, p.Gln1228Ter (NM_001363725.2); c.6061C>T, p.Gln2021Ter (NM_001371656.1, NM_001374820.1); c.6022C>T, p.Gln2008Ter (NM_017519.3); short protein forms Q1228*, Q2008*, Q2021*, Q2061*.
Identifiers: ClinVar variation 985914 (VCV000985914.4), dbSNP rs1554237689, ClinGen allele CA366247708.